The following is an entry in ClinVar:

NM_001378454.1(ALMS1):c.647T>C (p.Val216Ala)

Gene: ALMS1 (ALMS1 centrosome and basal body associated protein; plus strand). Cytogenetic location: 2p13.1.
Variant type: single nucleotide variant.
Coding change: c.647T>C on transcript NM_001378454.1 (MANE Select); coding-DNA position 647, T replaced by C.
Protein change: p.Val216Ala; replaces valine 216 with alanine.
Molecular consequence: missense variant.
Genome position (GRCh38, 1-based): chr2:73,422,857, T>C. VCF-style: chr2-73422857-T-C. GRCh37 (hg19) VCF-style: chr2-73649985-T-C.
Other names: c.650T>C, p.Val217Ala (NM_015120.4); short protein forms V216A, V217A.
Identifiers: ClinVar variation 4981205 (VCV004981205.1).

ClinVar aggregate classification (germline): Uncertain significance (1 of 4 stars; one submission).

Conditions:
ALMS1-related disorder. Also called: ALMS1-related condition.

Submission:

PreventionGenetics, part of Exact Sciences
Classification: Uncertain significance for ALMS1-related condition. Last evaluated: 2025-10-03. Review status: criteria provided, single submitter. Criteria: ACMG Guidelines, 2015. Collection method: clinical testing. Allele origin: germline.
Comment: The ALMS1 c.650T>C variant is predicted to result in the amino acid substitution p.Ile217Thr. To our knowledge, this variant has not been reported in the literature. This variant is reported in 0.0018% of alleles in individuals of European (Non-Finnish) descent in gnomAD. At this time, the clinical significance of this variant is uncertain due to the absence of conclusive functional and genetic evidence.